The following is an entry in ClinVar:

Conditions:
Arteriohepatic dysplasia. Also called: Alagille Syndrome. Identifiers: Orphanet 52, MedGen C0085280, MeSH D016738, MONDO:0007318.

Submission:

Gilbert/Spinner Lab, Children's Hospital of Philadelphia
No classification provided (evidence only). Condition: Alagille syndrome. Review status: no classification provided. Collection method: research. Allele origin: not applicable. Functional consequence: functionally_abnormal.
ClinVar note: "not provided" was previously submitted as the classification for the variant. However, the classification appeared to be based only on an observation of functional data so it was converted to no classification on 2025-07-30.

NM_000214.3(JAG1):c.685T>C (p.Cys229Arg)

Gene: JAG1 (jagged canonical Notch ligand 1; minus strand). Cytogenetic location: 20p12.2.
Variant type: single nucleotide variant.
Coding change: c.685T>C on transcript NM_000214.3 (MANE Select); coding-DNA position 685, T replaced by C.
Protein change: p.Cys229Arg; replaces cysteine 229 with arginine.
Molecular consequence: missense variant.
Genome position (GRCh38, 1-based): chr20:10,658,477, A>G on the plus strand (T>C on the coding strand, the complement: JAG1 is on the minus strand). VCF-style: chr20-10658477-A-G. GRCh37 (hg19) VCF-style: chr20-10639125-A-G.
Other names: short protein forms C229R.
Identifiers: ClinVar variation 3573353 (VCV003573353.2).
Genomic context (GRCh38, chr20:10,658,477, plus strand): 5'-TGGACACTAAAAGCAACAGGCACACGTGCACATGCACACACACACACATACCTCTGTTAC[A>G]TTCGGGGCCCATCCAGCCTTCCATGCAAGTTTTGTTGCCATTCTGGTCACAGGCATAGTG-3'
Protein context (NP_000205.1, residues 219-239): TCMEGWMGPE[Cys229Arg]NRAICRQGCS